The following is an entry in ClinVar:

NM_004380.3(CREBBP):c.887A>C (p.Gln296Pro)

Gene: CREBBP (CREB binding lysine acetyltransferase; minus strand). Cytogenetic location: 16p13.3.
Variant type: single nucleotide variant.
Coding change: c.887A>C on transcript NM_004380.3 (MANE Select); coding-DNA position 887, A replaced by C.
Protein change: p.Gln296Pro; replaces glutamine 296 with proline.
Molecular consequence: missense variant.
Genome position (GRCh38, 1-based): chr16:3,810,691, T>G on the plus strand (A>C on the coding strand, the complement: CREBBP is on the minus strand). VCF-style: chr16-3810691-T-G. GRCh37 (hg19) VCF-style: chr16-3860692-T-G.
Other names: c.887A>C, p.Gln296Pro (NM_001079846.1); short protein forms Q296P.
Identifiers: ClinVar variation 3612494 (VCV003612494.2).

ClinVar aggregate classification (germline): Uncertain significance (1 of 4 stars; one submission).

Conditions:
Rubinstein-Taybi syndrome (RSTS). Identifiers: Orphanet 783, MedGen C0035934, MONDO:0019188.

Submission:

Labcorp Genetics (formerly Invitae), Labcorp
Classification: Uncertain significance for Rubinstein-Taybi syndrome. Last evaluated: 2024-02-15. Review status: criteria provided, single submitter. Criteria: Invitae Variant Classification Sherloc (09022015). Collection method: clinical testing. Allele origin: germline.
Comment: This sequence change replaces glutamine, which is neutral and polar, with proline, which is neutral and non-polar, at codon 296 of the CREBBP protein (p.Gln296Pro). This variant is not present in population databases (gnomAD no frequency). This variant has not been reported in the literature in individuals affected with CREBBP-related conditions. Advanced modeling of protein sequence and biophysical properties (such as structural, functional, and spatial information, amino acid conservation, physicochemical variation, residue mobility, and thermodynamic stability) performed at Invitae indicates that this missense variant is not expected to disrupt CREBBP protein function with a negative predictive value of 95%. In summary, the available evidence is currently insufficient to determine the role of this variant in disease. Therefore, it has been classified as a Variant of Uncertain Significance.